The following is an entry in ClinVar:

NM_000884.3(IMPDH2):c.151C>G (p.Leu51Val)

Gene: IMPDH2 (inosine monophosphate dehydrogenase 2; minus strand). Cytogenetic location: 3p21.31.
Variant type: single nucleotide variant.
Coding change: c.151C>G on transcript NM_000884.3 (MANE Select); coding-DNA position 151, C replaced by G.
Protein change: p.Leu51Val; replaces leucine 51 with valine.
Molecular consequence: missense variant.
Genome position (GRCh38, 1-based): chr3:49,028,529, G>C on the plus strand (C>G on the coding strand, the complement: IMPDH2 is on the minus strand). VCF-style: chr3-49028529-G-C. GRCh37 (hg19) VCF-style: chr3-49065962-G-C.
Other names: c.151C>G, p.Leu51Val (NM_001410759.1, NM_001410760.1, NM_001410761.1); short protein forms L51V.
Identifiers: ClinVar variation 4275319 (VCV004275319.2).

ClinVar aggregate classification (germline): Uncertain significance. Review status: criteria provided, multiple submitters, no conflicts (2 of 4 stars). 2 submissions from 2 submitters: Uncertain significance (2). Last evaluated 2026-04-04.

Submissions (2):

GeneDx
Classification: Uncertain significance. Last evaluated: 2026-04-04. Review status: criteria provided, single submitter. Criteria: GeneDx Variant Classification Process June 2021. Collection method: clinical testing. Allele origin: germline.
Comment: Not observed at significant frequency in large population cohorts (gnomAD); In silico analysis supports that this missense variant has a deleterious effect on protein structure/function; Has not been previously published as pathogenic or benign to our knowledge

Ambry Genetics
Classification: Uncertain significance. Last evaluated: 2025-08-31. Review status: criteria provided, single submitter. Criteria: Ambry Variant Classification Scheme 2023. Collection method: clinical testing. Allele origin: germline.